The following is an entry in ClinVar:

ClinVar aggregate classification (germline): Uncertain significance (1 of 4 stars; one submission).

Conditions:
Charcot-Marie-Tooth disease axonal type 2O. Also called: CHARCOT-MARIE-TOOTH NEUROPATHY, AXONAL, TYPE 2O; CHARCOT-MARIE-TOOTH DISEASE, AXONAL, AUTOSOMAL DOMINANT, TYPE 2O; Charcot-Marie-Tooth Neuropathy Type 2O; Charcot-Marie-Tooth disease, axonal, type 20. Identifiers: Orphanet 284232, MedGen C3280220, MONDO:0013644, OMIM 614228.

gnomAD v4.1: 1 of 1,569,284 alleles (0.000064%); highest among the groups gnomAD compares: East Asian, 0.0035%; no homozygotes.

Submission:

Labcorp Genetics (formerly Invitae), Labcorp
Classification: Uncertain significance for Charcot-Marie-Tooth disease axonal type 2O. Last evaluated: 2017-01-10. Review status: criteria provided, single submitter. Criteria: Invitae Variant Classification Sherloc (09022015). Collection method: clinical testing. Allele origin: germline.
Comment: In summary, this variant is a novel missense change with uncertain impact on protein function. It has been classified as a Variant of Uncertain Significance. Algorithms developed to predict the effect of missense changes on protein structure and function do not agree on the potential impact of this missense change (SIFT: "Deleterious"; PolyPhen-2: "Benign"; Align-GVGD: "Class C65"). This variant is not present in population databases (ExAC no frequency) and has not been reported in the literature in individuals with a DYNC1H1-related disease. This sequence change replaces asparagine with lysine at codon 4573 of the DYNC1H1 protein (p.Asn4573Lys). The asparagine residue is highly conserved and there is a moderate physicochemical difference between asparagine and lysine.

NM_001376.5(DYNC1H1):c.13719C>G (p.Asn4573Lys)

Gene: DYNC1H1 (dynein cytoplasmic 1 heavy chain 1; plus strand). Cytogenetic location: 14q32.31.
Variant type: single nucleotide variant.
Coding change: c.13719C>G on transcript NM_001376.5 (MANE Select); coding-DNA position 13719, C replaced by G.
Protein change: p.Asn4573Lys; replaces asparagine 4573 with lysine.
Molecular consequence: missense variant.
Genome position (GRCh38, 1-based): chr14:102,050,105, C>G. VCF-style: chr14-102050105-C-G. GRCh37 (hg19) VCF-style: chr14-102516442-C-G.
Other names: short protein forms N4573K.
Identifiers: ClinVar variation 472519 (VCV000472519.8), dbSNP rs886050377, ClinGen allele CA391051506.